The following is an entry in ClinVar:

ClinVar aggregate classification (germline): Uncertain significance. Review status: criteria provided, multiple submitters, no conflicts (2 of 4 stars). 3 submissions from 3 submitters: Uncertain significance (3). Last evaluated 2025-05-18.

Conditions:
Cardiovascular phenotype. Identifiers: MedGen CN230736.

Allele frequency attached by ClinVar (database versions not stated): gnomAD exomes below 0.00001.
gnomAD v4.1: 2 of 1,598,270 alleles (0.00013%); highest among the groups gnomAD compares: Non-Finnish European, 0.00017%; no homozygotes.

Submissions (3):

Women's Health and Genetics/Laboratory Corporation of America, LabCorp
Classification: Uncertain significance. Last evaluated: 2025-05-18. Review status: criteria provided, single submitter. Criteria: LabCorp Variant Classification Summary - May 2015. Collection method: clinical testing. Allele origin: germline.

Ambry Genetics
Classification: Uncertain significance for Cardiovascular phenotype. Last evaluated: 2024-01-16. Review status: criteria provided, single submitter. Criteria: Ambry Variant Classification Scheme 2023. Collection method: clinical testing. Allele origin: germline.
Comment: The p.I223M variant (also known as c.669A>G), located in coding exon 5 of the SOS1 gene, results from an A to G substitution at nucleotide position 669. The isoleucine at codon 223 is replaced by methionine, an amino acid with highly similar properties. This amino acid position is conserved. In addition, the in silico prediction for this alteration is inconclusive. Since supporting evidence is limited at this time, the clinical significance of this alteration remains unclear.

GeneDx
Classification: Uncertain significance. Last evaluated: 2017-11-02. Review status: criteria provided, single submitter. Criteria: GeneDx Variant Classification (06012015). Collection method: clinical testing. Allele origin: germline. Affected: yes.
Comment: A variant of uncertain significance has been identified in the SOS1 gene. The I223M variant has not been published as pathogenic or been reported as benign to our knowledge. This variant is not observed in large population cohorts (Lek et al., 2016). This substitution occurs at a position that is conserved across species, and in silico analysis suggests that this variant is probably damaging to the protein structure/function. However, the I223M variant is a conservative amino acid substitution, which is not likely to impact secondary protein structure as these residues share similar properties. Finally, no missense variants in nearby residues have been reported in the Human Gene Mutation Database in association with SOS1-related disorders (Stenson et al., 2014).

NM_005633.4(SOS1):c.669A>G (p.Ile223Met)

Gene: SOS1 (SOS Ras/Rac guanine nucleotide exchange factor 1; minus strand). Cytogenetic location: 2p22.1.
Variant type: single nucleotide variant.
Coding change: c.669A>G on transcript NM_005633.4 (MANE Select); coding-DNA position 669, A replaced by G.
Protein change: p.Ile223Met; replaces isoleucine 223 with methionine.
Molecular consequence: missense variant.
Genome position (GRCh38, 1-based): chr2:39,054,665, T>C on the plus strand (A>G on the coding strand, the complement: SOS1 is on the minus strand). VCF-style: chr2-39054665-T-C. GRCh37 (hg19) VCF-style: chr2-39281806-T-C.
Other names: c.648A>G, p.Ile216Met (NM_001382394.1); c.669A>G, p.Ile223Met (NM_001382395.1); short protein forms I223M, I216M.
Identifiers: ClinVar variation 453165 (VCV000453165.4), dbSNP rs1553362230, ClinGen allele CA346373014.